The following is an entry in ClinVar:

NM_025074.7(FRAS1):c.11642C>G (p.Thr3881Ser)

Gene: FRAS1 (Fraser extracellular matrix complex subunit 1; plus strand). Cytogenetic location: 4q21.21.
Variant type: single nucleotide variant.
Coding change: c.11642C>G on transcript NM_025074.7 (MANE Select); coding-DNA position 11642, C replaced by G.
Protein change: p.Thr3881Ser; replaces threonine 3881 with serine.
Molecular consequence: missense variant.
Genome position (GRCh38, 1-based): chr4:78,540,727, C>G. VCF-style: chr4-78540727-C-G. GRCh37 (hg19) VCF-style: chr4-79461881-C-G.
Other names: short protein forms T3881S.
Identifiers: ClinVar variation 3676029 (VCV003676029.2).

ClinVar aggregate classification (germline): Uncertain significance (1 of 4 stars; one submission).

Submission:

Labcorp Genetics (formerly Invitae), Labcorp
Classification: Uncertain significance. Last evaluated: 2024-12-09. Review status: criteria provided, single submitter. Criteria: Invitae Variant Classification Sherloc (09022015). Collection method: clinical testing. Allele origin: germline.
Comment: This sequence change replaces threonine, which is neutral and polar, with serine, which is neutral and polar, at codon 3881 of the FRAS1 protein (p.Thr3881Ser). This variant is not present in population databases (gnomAD no frequency). This variant has not been reported in the literature in individuals affected with FRAS1-related conditions. Invitae Evidence Modeling of protein sequence and biophysical properties (such as structural, functional, and spatial information, amino acid conservation, physicochemical variation, residue mobility, and thermodynamic stability) indicates that this missense variant is expected to disrupt FRAS1 protein function with a positive predictive value of 80%. In summary, the available evidence is currently insufficient to determine the role of this variant in disease. Therefore, it has been classified as a Variant of Uncertain Significance.